The following is an entry in ClinVar:

ClinVar aggregate classification (germline): Uncertain significance. Review status: criteria provided, multiple submitters, no conflicts (2 of 4 stars). 2 submissions from 2 submitters: Uncertain significance (2). Last evaluated 2025-11-23.

Conditions:
Hereditary cancer-predisposing syndrome. Also called: Tumor predisposition; Hereditary neoplastic syndrome; Neoplastic Syndromes, Hereditary; Hereditary Cancer Syndrome. Identifiers: Orphanet 140162, MedGen C0027672, MeSH D009386, MONDO:0015356.
Ataxia-telangiectasia-like disorder (ATLD). Identifiers: MedGen C1858391, MONDO:0011457.

Submissions (2):

Ambry Genetics
Classification: Uncertain significance for Hereditary cancer-predisposing syndrome. Last evaluated: 2025-11-23. Review status: criteria provided, single submitter. Criteria: Ambry Variant Classification Scheme 2023. Collection method: clinical testing. Allele origin: germline.
Comment: The p.S619A variant (also known as c.1855T>G), located in coding exon 15 of the MRE11A gene, results from a T to G substitution at nucleotide position 1855. The serine at codon 619 is replaced by alanine, an amino acid with similar properties. This amino acid position is conserved. In addition, the in silico prediction for this alteration is inconclusive. Based on the available evidence, the clinical significance of this variant remains unclear.

Labcorp Genetics (formerly Invitae), Labcorp
Classification: Uncertain significance for Ataxia-telangiectasia-like disorder. Last evaluated: 2019-07-08. Review status: criteria provided, single submitter. Criteria: Invitae Variant Classification Sherloc (09022015). Collection method: clinical testing. Allele origin: germline.
Comment: In summary, the available evidence is currently insufficient to determine the role of this variant in disease. Therefore, it has been classified as a Variant of Uncertain Significance. Algorithms developed to predict the effect of missense changes on protein structure and function (SIFT, PolyPhen-2, Align-GVGD) all suggest that this variant is likely to be tolerated, but these predictions have not been confirmed by published functional studies and their clinical significance is uncertain. This variant has not been reported in the literature in individuals with MRE11-related conditions. This variant is not present in population databases (ExAC no frequency). This sequence change replaces serine with alanine at codon 619 of the MRE11 protein (p.Ser619Ala). The serine residue is moderately conserved and there is a moderate physicochemical difference between serine and alanine.

NM_005591.4(MRE11):c.1855T>G (p.Ser619Ala)

Gene: MRE11 (MRE11 double strand break repair nuclease; minus strand). Cytogenetic location: 11q21.
Variant type: single nucleotide variant.
Coding change: c.1855T>G on transcript NM_005591.4 (MANE Select); coding-DNA position 1855, T replaced by G.
Protein change: p.Ser619Ala; replaces serine 619 with alanine.
Molecular consequence: missense variant. On other transcripts: intron variant (1).
Genome position (GRCh38, 1-based): chr11:94,445,822, A>C on the plus strand (T>G on the coding strand, the complement: MRE11 is on the minus strand). VCF-style: chr11-94445822-A-C. GRCh37 (hg19) VCF-style: chr11-94178988-A-C.
Other names: c.1783+1397T>G (NM_005590.4); c.1852T>G, p.Ser618Ala (NM_001330347.2); short protein forms S618A, S619A.
Identifiers: ClinVar variation 957386 (VCV000957386.10), dbSNP rs1945911516, ClinGen allele CA382366282.